The following is an entry in ClinVar:

NM_005188.4(CBL):c.357G>A (p.Met119Ile)

Gene: CBL (Cbl proto-oncogene; plus strand). Cytogenetic location: 11q23.3.
Variant type: single nucleotide variant.
Coding change: c.357G>A on transcript NM_005188.4 (MANE Select); coding-DNA position 357, G replaced by A.
Protein change: p.Met119Ile; replaces methionine 119 with isoleucine.
Molecular consequence: missense variant.
Genome position (GRCh38, 1-based): chr11:119,232,609, G>A. VCF-style: chr11-119232609-G-A. GRCh37 (hg19) VCF-style: chr11-119103319-G-A.
Other names: short protein forms M119I.
Identifiers: ClinVar variation 636476 (VCV000636476.10), dbSNP rs1490142046, ClinGen allele CA382895271.
Genomic context (GRCh38, chr11:119,232,609, plus strand): 5'-GTCAAGATATGAGGGGAAGATGGAGACACTTGGAGAAAATGAGTATTTTAGGGTGTTTAT[G>A]GAGAATTTGATGAAGAAAACTAAGCAAACCATAAGCCTCTTCAAGGAGGGAAAAGAAAGA-3'
Protein context (NP_005179.2, residues 109-129): LGENEYFRVF[Met119Ile]ENLMKKTKQT

ClinVar aggregate classification (germline): Uncertain significance. Review status: criteria provided, multiple submitters, no conflicts (2 of 4 stars). 3 submissions from 3 submitters: Uncertain significance (3). Last evaluated 2025-03-23.

Conditions:
RASopathy. Also called: Noonan spectrum disorder; rasopathies. Identifiers: Orphanet 536391, MedGen C5555857, MONDO:0021060.

Allele frequency attached by ClinVar (database versions not stated): gnomAD exomes 0.00001; TOPMed 0.00001.

Submissions (3):

Labcorp Genetics (formerly Invitae), Labcorp
Classification: Uncertain significance for RASopathy. Last evaluated: 2025-03-23. Review status: criteria provided, single submitter. Criteria: Invitae Variant Classification Sherloc (09022015). Collection method: clinical testing. Allele origin: germline.
Comment: This sequence change replaces methionine, which is neutral and non-polar, with isoleucine, which is neutral and non-polar, at codon 119 of the CBL protein (p.Met119Ile). This variant is present in population databases (no rsID available, gnomAD 0.003%). This variant has not been reported in the literature in individuals affected with CBL-related conditions. ClinVar contains an entry for this variant (Variation ID: 636476). Invitae Evidence Modeling of protein sequence and biophysical properties (such as structural, functional, and spatial information, amino acid conservation, physicochemical variation, residue mobility, and thermodynamic stability) indicates that this missense variant is not expected to disrupt CBL protein function with a negative predictive value of 95%. In summary, the available evidence is currently insufficient to determine the role of this variant in disease. Therefore, it has been classified as a Variant of Uncertain Significance.

Women's Health and Genetics/Laboratory Corporation of America, LabCorp
Classification: Uncertain significance. Last evaluated: 2022-02-27. Review status: criteria provided, single submitter. Criteria: LabCorp Variant Classification Summary - May 2015. Collection method: clinical testing. Allele origin: germline.
Comment: Variant summary: CBL c.357G>A (p.Met119Ile) results in a conservative amino acid change located in the Adaptor protein Cbl, N-terminal helical domain (IPR003153) of the encoded protein sequence. Four of five in-silico tools predict a benign effect of the variant on protein function. The variant allele was found at a frequency of 4e-06 in 251414 control chromosomes. The available data on variant occurrences in the general population are insufficient to allow any conclusion about variant significance. To our knowledge, no occurrence of c.357G>A in individuals affected with Noonan Syndrome And Related Conditions and no experimental evidence demonstrating its impact on protein function have been reported. One clinical diagnostic laboratory has submitted clinical-significance assessments for this variant to ClinVar after 2014 without evidence for independent evaluation and classified the variant as uncertain significance. Based on the evidence outlined above, the variant was classified as uncertain significance.

Blueprint Genetics
Classification: Uncertain significance. Last evaluated: 2017-08-29. Review status: criteria provided, single submitter. Criteria: ACMG Guidelines, 2015. Collection method: clinical testing. Allele origin: germline.